The following is an entry in ClinVar:

NM_002900.3(RBP3):c.2324C>T (p.Thr775Met)

Gene: RBP3 (retinol binding protein 3; plus strand). Cytogenetic location: 10q11.22.
Variant type: single nucleotide variant.
Coding change: c.2324C>T on transcript NM_002900.3 (MANE Select); coding-DNA position 2324, C replaced by T.
Protein change: p.Thr775Met; replaces threonine 775 with methionine.
Molecular consequence: missense variant.
Genome position (GRCh38, 1-based): chr10:47,350,808, C>T. VCF-style: chr10-47350808-C-T. GRCh37 (hg19) VCF-style: chr10-48388554-G-A.
Other names: short protein forms T775M.
Identifiers: ClinVar variation 1015790 (VCV001015790.10), dbSNP rs201724324, ClinGen allele CA5487310.
Genomic context (GRCh38, chr10:47,350,808, plus strand): 5'-AGACAGTGAAGGCCGTGGGGCCACAGCTGGTGCGGCTGGTATGGCAACAGCTGGTGGACA[C>T]GGCTGCGCTGGTGATCGACCTGCGCTACAACCCTGGCAGCTACTCCACGGCCATCCCGCT-3'
Protein context (NP_002891.1, residues 765-785): VRLVWQQLVD[Thr775Met]AALVIDLRYN

ClinVar aggregate classification (germline): Uncertain significance. Review status: criteria provided, multiple submitters, no conflicts (2 of 4 stars). 3 submissions from 3 submitters: Uncertain significance (3). Last evaluated 2025-01-06.

Conditions:
Retinal dystrophy. Also called: Inherited retinal dystrophy. Identifiers: Orphanet 71862, MedGen C0854723, MeSH D058499, MONDO:0019118, HP:0000556.

Allele frequency attached by ClinVar (database versions not stated): ExAC 0.00003; TOPMed 0.00003; gnomAD exomes 0.00004 and 0.00005; 1000 Genomes Project 30x 0.00016; 1000 Genomes Project 0.00020.
gnomAD v4.1: 69 of 1,613,040 alleles (0.0043%); highest among the groups gnomAD compares: East Asian, 0.045%; no homozygotes.

Submissions (3):

Labcorp Genetics (formerly Invitae), Labcorp
Classification: Uncertain significance. Last evaluated: 2025-01-06. Review status: criteria provided, single submitter. Criteria: Invitae Variant Classification Sherloc (09022015). Collection method: clinical testing. Allele origin: germline.
Comment: This sequence change replaces threonine, which is neutral and polar, with methionine, which is neutral and non-polar, at codon 775 of the RBP3 protein (p.Thr775Met). This variant is present in population databases (rs201724324, gnomAD 0.02%). This variant has not been reported in the literature in individuals affected with RBP3-related conditions. ClinVar contains an entry for this variant (Variation ID: 1015790). Invitae Evidence Modeling of protein sequence and biophysical properties (such as structural, functional, and spatial information, amino acid conservation, physicochemical variation, residue mobility, and thermodynamic stability) has been performed for this missense variant. However, the output from this modeling did not meet the statistical confidence thresholds required to predict the impact of this variant on RBP3 protein function. In summary, the available evidence is currently insufficient to determine the role of this variant in disease. Therefore, it has been classified as a Variant of Uncertain Significance.

Dept Of Ophthalmology, Nagoya University
Classification: Uncertain significance for Retinal dystrophy. Last evaluated: 2023-10-01. Review status: criteria provided, single submitter. Criteria: Submitter's publication. Collection method: research. Allele origin: germline. Affected: yes.

Blueprint Genetics
Classification: Uncertain significance. Last evaluated: 2022-07-18. Review status: criteria provided, single submitter. Criteria: ACMG Guidelines, 2015. Collection method: clinical testing. Allele origin: germline.